The following is an entry in ClinVar:

ClinVar aggregate classification (germline): Uncertain significance (1 of 4 stars; one submission).

Conditions:
Intellectual developmental disorder 61. Also called: INTELLECTUAL DEVELOPMENTAL DISORDER, AUTOSOMAL DOMINANT 61; MENTAL RETARDATION, AUTOSOMAL DOMINANT 61. Identifiers: MedGen C5231400, MONDO:0032485, OMIM 618009.

Allele frequency attached by ClinVar (database versions not stated): gnomAD exomes below 0.00001.
gnomAD v4.1: 2 of 1,614,092 alleles (0.00012%); highest among the groups gnomAD compares: Non-Finnish European, 0.00017%; no homozygotes.

Submission:

MVZ Medizinische Genetik Mainz
Classification: Uncertain significance for Intellectual developmental disorder 61. Last evaluated: 2023-03-01. Review status: criteria provided, single submitter. Criteria: UK Practice Guidelines For Variant Classification V4 01 2020. Collection method: clinical testing. Allele origin: germline. Inheritance: Autosomal dominant inheritance. Affected: yes. Observed: 1 variant allele.
Comment: ACMG Criteria: PM2_SUP,PP3

NM_005121.3(MED13):c.4415C>G (p.Ser1472Cys)

Gene: MED13 (mediator complex subunit 13; minus strand). Cytogenetic location: 17q23.2.
Variant type: single nucleotide variant.
Coding change: c.4415C>G on transcript NM_005121.3 (MANE Select); coding-DNA position 4415, C replaced by G.
Protein change: p.Ser1472Cys; replaces serine 1472 with cysteine.
Molecular consequence: missense variant.
Genome position (GRCh38, 1-based): chr17:61,965,435, G>C on the plus strand (C>G on the coding strand, the complement: MED13 is on the minus strand). VCF-style: chr17-61965435-G-C. GRCh37 (hg19) VCF-style: chr17-60042796-G-C.
Other names: short protein forms S1472C.
Identifiers: ClinVar variation 3068395 (VCV003068395.1), dbSNP rs2080048813, ClinGen allele CA400497398.